The following is an entry in ClinVar:

NM_183050.4(BCKDHB):c.658C>T (p.Gln220Ter)

Gene: BCKDHB (branched chain keto acid dehydrogenase E1 subunit beta; plus strand). Cytogenetic location: 6q14.1.
Variant type: single nucleotide variant.
Coding change: c.658C>T on transcript NM_183050.4 (MANE Select); coding-DNA position 658, C replaced by T.
Protein change: p.Gln220Ter; replaces glutamine 220 with a stop codon.
Molecular consequence: nonsense. On other transcripts: non-coding transcript variant (1).
Genome position (GRCh38, 1-based): chr6:80,171,306, C>T. VCF-style: chr6-80171306-C-T. GRCh37 (hg19) VCF-style: chr6-80881023-C-T.
Other names: c.658C>T (NM_183050.3); c.658C>T, p.Gln220Ter (NM_000056.5); c.448C>T, p.Gln150Ter (NM_001318975.1); short protein forms Q150*, Q220*.
Identifiers: ClinVar variation 952105 (VCV000952105.9), dbSNP rs1772902148, ClinGen allele CA364658553.

ClinVar aggregate classification (germline): Pathogenic/Likely pathogenic. Review status: criteria provided, multiple submitters, no conflicts (2 of 4 stars). 2 submissions from 2 submitters: Pathogenic (1); Likely pathogenic (1). Last evaluated 2025-02-17.

Conditions:
Maple syrup urine disease type 1B (MSUD1B). Also called: MSUD type IB; MSUD type 3 (formerly); MSUD due to deficiency of e1-beta subunit of branched-chain alpha-keto acid dehydrogenase complex. Identifiers: MedGen C2930990, MONDO:0023692, OMIM 620698.
Maple syrup urine disease (MSUD). Identifiers: Orphanet 511, MedGen C0024776, MeSH D008375, MONDO:0009563. Disease mechanism: loss of function.

Submissions (2):

Natera, Inc.
Classification: Likely pathogenic for Maple syrup urine disease type 1B. Last evaluated: 2025-02-17. Review status: criteria provided, single submitter. Criteria: Natera Variant Classification Schema (03/2026). Collection method: clinical testing. Allele origin: germline.
Comment: The c.658C>T variant in BCKDHB is a nonsense variant predicted to introduce a stop codon at amino acid 220. This variant is expected to result in nonsense mediated decay, truncation, or a dysfunctional protein product. This variant is rare in the general population with a frequency below the threshold expected for the associated phenotype(s). Given the available evidence, this variant is classified as Likely Pathogenic.

Labcorp Genetics (formerly Invitae), Labcorp
Classification: Pathogenic for Maple syrup urine disease. Last evaluated: 2019-06-11. Review status: criteria provided, single submitter. Criteria: Invitae Variant Classification Sherloc (09022015). Collection method: clinical testing. Allele origin: germline.
Comment: Loss-of-function variants in BCKDHB are known to be pathogenic (PMID: 16786533, 22593002). For these reasons, this variant has been classified as Pathogenic. This variant has not been reported in the literature in individuals with BCKDHB-related conditions. This variant is not present in population databases (ExAC no frequency). This sequence change creates a premature translational stop signal (p.Gln220*) in the BCKDHB gene. It is expected to result in an absent or disrupted protein product.

Literature cited by the submitters: PubMed 16786533 (cited by Labcorp Genetics (formerly Invitae), Labcorp); PubMed 22593002 (cited by Labcorp Genetics (formerly Invitae), Labcorp).